The following is an entry in ClinVar:

ClinVar aggregate classification (germline): Conflicting classifications of pathogenicity. Review status: criteria provided, conflicting classifications (1 of 4 stars). 2 submissions from 2 submitters: Uncertain significance (1); Likely benign (1). Last evaluated 2025-01-15.

Conditions:
Inborn genetic diseases. Identifiers: MedGen C0950123, MeSH D030342.

Submissions (2):

Ambry Genetics
Classification: Likely benign for Inborn genetic diseases. Last evaluated: 2025-01-15. Review status: criteria provided, single submitter. Criteria: Ambry Variant Classification Scheme 2023. Collection method: clinical testing. Allele origin: germline.

GeneDx
Classification: Uncertain significance. Last evaluated: 2019-05-13. Review status: criteria provided, single submitter. Criteria: GeneDx Variant Classification Process June 2021. Collection method: clinical testing. Allele origin: germline. Affected: yes.
Comment: In silico analysis, which includes protein predictors and evolutionary conservation, supports that this variant does not alter protein structure/function; Not observed in large population cohorts (Lek et al., 2016); Has not been previously published as pathogenic or benign to our knowledge

NM_000834.5(GRIN2B):c.3942A>T (p.Glu1314Asp)

Gene: GRIN2B (glutamate ionotropic receptor NMDA type subunit 2B; minus strand). Cytogenetic location: 12p13.1.
Variant type: single nucleotide variant.
Coding change: c.3942A>T on transcript NM_000834.5 (MANE Select); coding-DNA position 3942, A replaced by T.
Protein change: p.Glu1314Asp; replaces glutamic acid 1314 with aspartic acid.
Molecular consequence: missense variant.
Genome position (GRCh38, 1-based): chr12:13,563,296, T>A on the plus strand (A>T on the coding strand, the complement: GRIN2B is on the minus strand). VCF-style: chr12-13563296-T-A. GRCh37 (hg19) VCF-style: chr12-13716230-T-A.
Other names: short protein forms E1314D.
Identifiers: ClinVar variation 1305564 (VCV001305564.3), dbSNP rs2136403386, ClinGen allele CA383987165.
Genomic context (GRCh38, chr12:13,563,296, plus strand): 5'-GCTCCCATCCATGAATCGGCCCTTGTCTTTCAGGCTTACGCTGCGCGGGGCCAGGGCGGC[T>A]TCTTCCTTCTGCAGGTCCACGAAGGTGTCGTAGGAGTGCTGCCGGCGCAGTTTGTTCCGG-3'
Protein context (NP_000825.2, residues 1304-1324): YDTFVDLQKE[Glu1314Asp]AALAPRSVSL